The following is an entry in ClinVar:

NM_015386.3(COG4):c.58C>T (p.Pro20Ser)

Gene: COG4 (component of oligomeric golgi complex 4; minus strand). Cytogenetic location: 16q22.1.
Variant type: single nucleotide variant.
Coding change: c.58C>T on transcript NM_015386.3 (MANE Select); coding-DNA position 58, C replaced by T.
Protein change: p.Pro20Ser; replaces proline 20 with serine.
Molecular consequence: missense variant. On other transcripts: 5 prime UTR variant (1), non-coding transcript variant (1).
Genome position (GRCh38, 1-based): chr16:70,523,486, G>A on the plus strand (C>T on the coding strand, the complement: COG4 is on the minus strand). VCF-style: chr16-70523486-G-A. GRCh37 (hg19) VCF-style: chr16-70557389-G-A.
Other names: c.46C>T, p.Pro16Ser (NM_001195139.2); c.-542C>T (NM_001365426.1); short protein forms P16S, P20S.
Identifiers: ClinVar variation 3673993 (VCV003673993.2).

ClinVar aggregate classification (germline): Uncertain significance (1 of 4 stars; one submission).

Conditions:
COG4-congenital disorder of glycosylation. Also called: CONGENITAL DISORDER OF GLYCOSYLATION, TYPE IIj; CDG IIj; COG4-CDG. Identifiers: Orphanet 263501, MedGen C4303552, MONDO:0013281, OMIM 613489.

Submission:

Labcorp Genetics (formerly Invitae), Labcorp
Classification: Uncertain significance for COG4-congenital disorder of glycosylation. Last evaluated: 2024-04-22. Review status: criteria provided, single submitter. Criteria: Invitae Variant Classification Sherloc (09022015). Collection method: clinical testing. Allele origin: germline.
Comment: This sequence change replaces proline, which is neutral and non-polar, with serine, which is neutral and polar, at codon 20 of the COG4 protein (p.Pro20Ser). This variant is present in population databases (rs758021459, gnomAD 0.03%). This variant has not been reported in the literature in individuals affected with COG4-related conditions. An algorithm developed to predict the effect of missense changes on protein structure and function (PolyPhen-2) suggests that this variant is likely to be tolerated. In summary, the available evidence is currently insufficient to determine the role of this variant in disease. Therefore, it has been classified as a Variant of Uncertain Significance.